The following is an entry in ClinVar:

ClinVar aggregate classification (germline): Benign/Likely benign. Review status: criteria provided, multiple submitters, no conflicts (2 of 4 stars). 2 submissions from 2 submitters: Benign (1); Likely benign (1). Last evaluated 2025-12-10.

Conditions:
Pheochromocytoma/paraganglioma syndrome 4. Also called: CAROTID BODY TUMORS AND MULTIPLE EXTRAADRENAL PHEOCHROMOCYTOMAS; PARAGANGLIOMA, FAMILIAL MALIGNANT; PARAGANGLIOMAS, HEREDITARY EXTRAADRENAL; PHEOCHROMOCYTOMA, FAMILIAL EXTRAADRENAL; Paragangliomas 4; SDHB-Related Hereditary Paraganglioma-Pheochromocytoma Syndrome (Paragangliomas 4). Identifiers: Orphanet 29072, MedGen C1861848, MONDO:0007273, OMIM 115310.
Pheochromocytoma. Also called: MAX-Related Hereditary Paraganglioma-Pheochromocytoma Syndrome. Identifiers: Orphanet 29072, MedGen C0031511, MONDO:0008233, OMIM 171300, HP:0002666.
Gastrointestinal stromal tumor. Also called: Gastrointestinal stromal tumor, somatic; Gastrointestinal stroma tumor. Identifiers: Orphanet 44890, MedGen C0238198, MeSH D046152, MONDO:0011719, OMIM 606764, HP:0100723.

Submissions (2):

Labcorp Genetics (formerly Invitae), Labcorp
Classification: Likely benign for Gastrointestinal stromal tumor; Pheochromocytoma/paraganglioma syndrome 4; Pheochromocytoma. Last evaluated: 2025-12-10. Review status: criteria provided, single submitter. Criteria: Invitae Variant Classification Sherloc (09022015). Collection method: clinical testing. Allele origin: germline.

Myriad Genetics, Inc.
Classification: Benign for Pheochromocytoma/paraganglioma syndrome 4. Last evaluated: 2025-03-12. Review status: criteria provided, single submitter. Criteria: Myriad Autosomal Dominant, Autosomal Recessive and X-Linked Classification Criteria (2023). Collection method: clinical testing. Allele origin: unknown.
Comment: This variant is considered benign. This variant is a silent/synonymous amino acid change and it is not expected to impact splicing.

NM_003000.3(SDHB):c.75C>T (p.Ala25=)

Gene: SDHB (succinate dehydrogenase complex iron sulfur subunit B; minus strand). Cytogenetic location: 1p36.13.
Variant type: single nucleotide variant.
Coding change: c.75C>T on transcript NM_003000.3 (MANE Select); coding-DNA position 75, C replaced by T.
Protein change: p.Ala25=; no amino-acid change (alanine 25 retained).
Molecular consequence: synonymous variant.
Genome position (GRCh38, 1-based): chr1:17,044,886, G>A on the plus strand (C>T on the coding strand, the complement: SDHB is on the minus strand). VCF-style: chr1-17044886-G-A. GRCh37 (hg19) VCF-style: chr1-17371381-G-A.
Other names: c.75C>T, p.Ala25= (NM_001407361.1).
Identifiers: ClinVar variation 3904473 (VCV003904473.2).
Genomic context (GRCh38, chr1:17,044,886, plus strand): 5'-ATAGATGGCAAATTTCTTGATACGGGGAGCTGTGGCTGCAGCTGTCTGGGCTCCTCGGGA[G>A]GCCTGAAATTTTTTAAAGTTCACAAAAAGGAAAAAAAAATTAGAAATACAAGATAATTCC-3'
Protein context (NP_002991.2, residues 15-35): ATTLGGACLQ[Ala25=]SRGAQTAAAT